The following is an entry in ClinVar:

ClinVar aggregate classification (germline): Uncertain significance (1 of 4 stars; one submission).

Allele frequency attached by ClinVar (database versions not stated): gnomAD 0.00001; gnomAD exomes 0.00002.
gnomAD v4.1: 28 of 1,611,912 alleles (0.0017%); highest among the groups gnomAD compares: African/African-American, 0.0027%; no homozygotes.

Submission:

Labcorp Genetics (formerly Invitae), Labcorp
Classification: Uncertain significance. Last evaluated: 2025-07-13. Review status: criteria provided, single submitter. Criteria: Invitae Variant Classification Sherloc (09022015). Collection method: clinical testing. Allele origin: germline.
Comment: This sequence change replaces arginine, which is basic and polar, with glutamine, which is neutral and polar, at codon 606 of the KCNQ5 protein (p.Arg606Gln). This variant is present in population databases (no rsID available, gnomAD 0.007%). This variant has not been reported in the literature in individuals affected with KCNQ5-related conditions. ClinVar contains an entry for this variant (Variation ID: 2983413). Invitae Evidence Modeling of protein sequence and biophysical properties (such as structural, functional, and spatial information, amino acid conservation, physicochemical variation, residue mobility, and thermodynamic stability) indicates that this missense variant is not expected to disrupt KCNQ5 protein function with a negative predictive value of 80%. In summary, the available evidence is currently insufficient to determine the role of this variant in disease. Therefore, it has been classified as a Variant of Uncertain Significance.

NM_019842.4(KCNQ5):c.1760G>A (p.Arg587Gln)

Gene: KCNQ5 (potassium voltage-gated channel subfamily Q member 5; plus strand). Cytogenetic location: 6q13.
Variant type: single nucleotide variant.
Coding change: c.1760G>A on transcript NM_019842.4 (MANE Select); coding-DNA position 1760, G replaced by A.
Protein change: p.Arg587Gln; replaces arginine 587 with glutamine.
Molecular consequence: missense variant.
Genome position (GRCh38, 1-based): chr6:73,192,615, G>A. VCF-style: chr6-73192615-G-A. GRCh37 (hg19) VCF-style: chr6-73902338-G-A.
Other names: c.1817G>A, p.Arg606Gln (NM_001160133.2); c.1430G>A, p.Arg477Gln (NM_001160134.2); c.1733G>A, p.Arg578Gln (NM_001160130.2); c.1790G>A, p.Arg597Gln (NM_001160132.2); short protein forms R578Q, R477Q, R587Q, R597Q, R606Q.
Identifiers: ClinVar variation 2983413 (VCV002983413.3), dbSNP rs1255166079, ClinGen allele CA364693589.